The following is an entry in ClinVar:

ClinVar aggregate classification (germline): Uncertain significance. Review status: criteria provided, multiple submitters, no conflicts (2 of 4 stars). 2 submissions from 2 submitters: Uncertain significance (2). Last evaluated 2024-03-06.

Submissions (2):

Ambry Genetics
Classification: Uncertain significance. Last evaluated: 2024-03-06. Review status: criteria provided, single submitter. Criteria: Ambry Variant Classification Scheme 2023. Collection method: clinical testing. Allele origin: germline.
Comment: The p.P294S variant (also known as c.880C>T), located in coding exon 7 of the RECQL gene, results from a C to T substitution at nucleotide position 880. The proline at codon 294 is replaced by serine, an amino acid with similar properties. This amino acid position is well conserved in available vertebrate species. In addition, this alteration is predicted to be tolerated by in silico analysis. Since supporting evidence is limited at this time, the clinical significance of this alteration remains unclear.

GeneDx
Classification: Uncertain significance. Last evaluated: 2022-08-30. Review status: criteria provided, single submitter. Criteria: GeneDx Variant Classification Process June 2021. Collection method: clinical testing. Allele origin: germline. Affected: yes.
Comment: Not observed at significant frequency in large population cohorts (gnomAD); In silico analysis supports that this missense variant has a deleterious effect on protein structure/function; Has not been previously published as pathogenic or benign to our knowledge; This variant is associated with the following publications: (PMID: 27248010, 19151156)

NM_002907.4(RECQL):c.880C>T (p.Pro294Ser)

Gene: RECQL (RecQ like helicase; minus strand). Cytogenetic location: 12p12.1.
Variant type: single nucleotide variant.
Coding change: c.880C>T on transcript NM_002907.4 (MANE Select); coding-DNA position 880, C replaced by T.
Protein change: p.Pro294Ser; replaces proline 294 with serine.
Molecular consequence: missense variant.
Genome position (GRCh38, 1-based): chr12:21,476,980, G>A on the plus strand (C>T on the coding strand, the complement: RECQL is on the minus strand). VCF-style: chr12-21476980-G-A. GRCh37 (hg19) VCF-style: chr12-21629914-G-A.
Other names: c.880C>T, p.Pro294Ser (NM_032941.3); short protein forms P294S.
Identifiers: ClinVar variation 1764747 (VCV001764747.3), dbSNP rs769346919, ClinGen allele CA384123127.